The following is an entry in ClinVar:

ClinVar aggregate classification (germline): Conflicting classifications of pathogenicity. Review status: criteria provided, conflicting classifications (1 of 4 stars). 9 submissions from 9 submitters: Uncertain significance (7); Benign (1); Likely benign (1). Last evaluated 2026-06-30.

Conditions:
Classic or attenuated familial adenomatous polyposis. Identifiers: MedGen CN372698, MONDO:0021057.
APC-related disorder. Also called: APC-related condition.
Hereditary cancer-predisposing syndrome. Also called: Neoplastic Syndromes, Hereditary; Tumor predisposition; Hereditary Cancer Syndrome; Hereditary neoplastic syndrome. Identifiers: Orphanet 140162, MedGen C0027672, MeSH D009386, MONDO:0015356.
Familial adenomatous polyposis 1 (FAP1). Also called: FAMILIAL ADENOMATOUS POLYPOSIS 1, ATTENUATED; POLYPOSIS, ADENOMATOUS INTESTINAL. Identifiers: MedGen C2713442, MONDO:0021056, OMIM 175100. Disease mechanism: loss of function.

Allele frequency attached by ClinVar (database versions not stated): ExAC 0.00002; gnomAD 0.00002; gnomAD exomes 0.00002; TOPMed 0.00002.

Submissions (9):

PreventionGenetics, part of Exact Sciences
Classification: Uncertain significance for APC-related condition. Last evaluated: 2026-06-30. Review status: criteria provided, single submitter. Criteria: ACMG Guidelines, 2015. Collection method: clinical testing. Allele origin: germline.
Comment: The APC c.5060G>A variant is predicted to result in the amino acid substitution p.Arg1687Gln. To our knowledge this variant has not been reported in the literature in individuals with APC-related conditions. It is reported in 0.0087% of alleles in individuals of Latino descent in gnomAD and has conflicting interpretations in ClinVar ranging from likely benign to uncertain (Variation ID: 411515). Although we suspect that this variant may be benign, at this time, the clinical significance of this variant is uncertain due to the absence of conclusive functional and genetic evidence.

Labcorp Genetics (formerly Invitae), Labcorp
Classification: Benign for Familial adenomatous polyposis 1. Last evaluated: 2025-12-24. Review status: criteria provided, single submitter. Criteria: Invitae Variant Classification Sherloc (09022015). Collection method: clinical testing. Allele origin: germline.

Color Diagnostics, LLC DBA Color Health
Classification: Uncertain significance for Hereditary cancer-predisposing syndrome. Last evaluated: 2024-08-26. Review status: criteria provided, single submitter. Criteria: ACMG Guidelines, 2015. Collection method: clinical testing. Allele origin: germline.
Comment: This missense variant replaces arginine with glutamine at codon 1687 of the APC protein. Computational prediction suggests that this variant may not impact protein structure and function (internally defined REVEL score threshold <= 0.5, PMID: 27666373). To our knowledge, functional studies have not been reported for this variant. This variant has not been reported in individuals affected with APC-related disorders in the literature. This variant has been identified in 4/249722 chromosomes in the general population by the Genome Aggregation Database (gnomAD). The available evidence is insufficient to determine the role of this variant in disease conclusively. Therefore, this variant is classified as a Variant of Uncertain Significance.

Women's Health and Genetics/Laboratory Corporation of America, LabCorp
Classification: Uncertain significance. Last evaluated: 2024-06-24. Review status: criteria provided, single submitter. Criteria: LabCorp Variant Classification Summary - May 2015. Collection method: clinical testing. Allele origin: germline.
Comment: Variant summary: APC c.5060G>A (p.Arg1687Gln) results in a conservative amino acid change in the encoded protein sequence. Three of five in-silico tools predict a damaging effect of the variant on protein function. The variant allele was found at a frequency of 1.6e-05 in 249722 control chromosomes, predominantly at a frequency of 8.7e-05 within the Latino subpopulation in the gnomAD database. The available data on variant occurrences in the general population are insufficient to allow any conclusion about variant significance. To our knowledge, no occurrence of c.5060G>A in individuals affected with Familial Adenomatous Polyposis and no experimental evidence demonstrating its impact on protein function have been reported. ClinVar contains an entry for this variant (Variation ID: 411515). Based on the evidence outlined above, the variant was classified as uncertain significance.

All of Us Research Program, National Institutes of Health
Classification: Uncertain significance for Classic or attenuated familial adenomatous polyposis. Last evaluated: 2023-07-10. Review status: criteria provided, single submitter. Criteria: ACMG Guidelines, 2015. Collection method: clinical testing. Allele origin: germline. Inheritance: Autosomal dominant inheritance. Observed: 4 variant alleles, 4 heterozygotes.
Comment: This missense variant replaces arginine with glutamine at codon 1687 of the APC protein. Computational prediction suggests that this variant may not impact protein structure and function (internally defined REVEL score threshold <= 0.5, PMID: 27666373). Splice site prediction tools suggest that this variant may not impact RNA splicing. To our knowledge, functional studies have not been reported for this variant. This variant has not been reported in individuals affected with hereditary cancer in the literature. This variant has been identified in 4/249722 chromosomes in the general population by the Genome Aggregation Database (gnomAD). The available evidence is insufficient to determine the role of this variant in disease conclusively. Therefore, this variant is classified as a Variant of Uncertain Significance.

This study involves interpretation of variants in research participants for the purpose of population health screening. Participant phenotype was not available at the time of variant classification. Additional details can be found in publication PMID: 35346344, PMCID: PMC8962531

Ambry Genetics
Classification: Likely benign for Hereditary cancer-predisposing syndrome. Last evaluated: 2022-01-03. Review status: criteria provided, single submitter. Criteria: Ambry Variant Classification Scheme 2023. Collection method: clinical testing. Allele origin: germline.

Sema4
Classification: Uncertain significance for Hereditary cancer-predisposing syndrome. Last evaluated: 2021-09-11. Review status: criteria provided, single submitter. Criteria: Sema4 Curation Guidelines. Collection method: curation. Allele origin: germline.
Comment: To the best of our knowledge, the APC c.5060G>A (p.R1687Q) variant has not been reported in individuals with APC-related disease. This variant was observed in 3/34474 chromosomes in the Latino population according to the Genome Aggregation Database (PMID: 32461654) and has been reported in ClinVar (Variation ID: 411515). Functional studies have not been performed, and in silico predictions of the variant's effect on protein function are inconclusive. Based on the current evidence available, this variant is interpreted as a variant of uncertain significance.

Quest Diagnostics Nichols Institute San Juan Capistrano
Classification: Uncertain significance. Last evaluated: 2019-02-28. Review status: criteria provided, single submitter. Criteria: Quest Diagnostics criteria. Collection method: clinical testing. Allele origin: germline.

GeneDx
Classification: Uncertain significance. Last evaluated: 2018-04-10. Review status: criteria provided, single submitter. Criteria: GeneDx Variant Classification (06012015). Collection method: clinical testing. Allele origin: germline. Affected: yes.
Comment: This variant is denoted APC c.5060G>A at the cDNA level, p.Arg1687Gln (R1687Q) at the protein level, and results in the change of an Arginine to a Glutamine (CGA>CAA). This variant has not, to our knowledge, been published in the literature as pathogenic or benign. APC Arg1687Gln was not observed at a significant allele frequency in large population cohorts (Lek 2016). This variant is located within the SAMP repeats/axin binding domain and the 20-aa repeat beta-catenin down-regulating domain (Azzopardi 2008). In silico analysis, which includes protein predictors and evolutionary conservation, supports that this variant does not alter protein structure/function. Based on currently available evidence, it is unclear whether APC Arg1687Gln is a pathogenic or benign variant. We consider it to be a variant of uncertain significance.

Literature cited by the submitters: PubMed 30239046 (cited by Quest Diagnostics Nichols Institute San Juan Capistrano).

NM_000038.6(APC):c.5060G>A (p.Arg1687Gln)

Gene: APC (APC regulator of Wnt signaling pathway; plus strand). Cytogenetic location: 5q22.2.
Variant type: single nucleotide variant.
Coding change: c.5060G>A on transcript NM_000038.6 (MANE Select); coding-DNA position 5060, G replaced by A.
Protein change: p.Arg1687Gln; replaces arginine 1687 with glutamine.
Molecular consequence: missense variant.
Genome position (GRCh38, 1-based): chr5:112,840,654, G>A. VCF-style: chr5-112840654-G-A. GRCh37 (hg19) VCF-style: chr5-112176351-G-A.
Other names: c.5060G>A, p.Arg1687Gln (NM_001127510.3, NM_001354895.2); c.5006G>A, p.Arg1669Gln (NM_001127511.3); c.5114G>A, p.Arg1705Gln (NM_001354896.2); c.5090G>A, p.Arg1697Gln (NM_001354897.2); c.4985G>A, p.Arg1662Gln (NM_001354898.2); c.4976G>A, p.Arg1659Gln (NM_001354899.2); c.4937G>A, p.Arg1646Gln (NM_001354900.2); c.4883G>A, p.Arg1628Gln (NM_001354901.2); and 5 more; short protein forms R1687Q, R1669Q, R1628Q, R1404Q, R1527Q, R1586Q, R1596Q, R1662Q.
Identifiers: ClinVar variation 411515 (VCV000411515.32), dbSNP rs779068685, ClinGen allele CA040507.